The following is an entry in ClinVar:

ClinVar aggregate classification (germline): Conflicting classifications of pathogenicity. Review status: criteria provided, conflicting classifications (1 of 4 stars). 2 submissions from 2 submitters: Uncertain significance (1); Likely benign (1). Last evaluated 2023-03-23.

Conditions:
Hereditary cancer-predisposing syndrome. Also called: Hereditary Cancer Syndrome; Tumor predisposition; Hereditary neoplastic syndrome; Neoplastic Syndromes, Hereditary. Identifiers: Orphanet 140162, MedGen C0027672, MeSH D009386, MONDO:0015356.
Hereditary breast ovarian cancer syndrome. Also called: Hereditary breast and ovarian cancer syndrome (HBOC); Breast and ovarian cancer; Hereditary breast and ovarian cancer syndrome; Hereditary breast and/or ovarian cancer syndrome; Hereditary breast and ovarian cancer; BRCA1- and BRCA2-Associated Hereditary Breast and Ovarian Cancer. Identifiers: Orphanet 145, MedGen C0677776, MeSH D061325, MONDO:0003582. Disease mechanism: loss of function.

Submissions (2):

University of Washington Department of Laboratory Medicine, University of Washington
Classification: Likely benign for Hereditary cancer-predisposing syndrome. Last evaluated: 2023-03-23. Review status: criteria provided, single submitter. Criteria: Dines et al. (Genet Med. 2020). Collection method: curation. Allele origin: germline.
Comment: Missense variant in a coldspot region where missense variants are very unlikely to be pathogenic (PMID:31911673).

BRCA1 coldspot (exon 11 using historical exon numbering). Reclassification based on statistical prior probability

Labcorp Genetics (formerly Invitae), Labcorp
Classification: Uncertain significance for Hereditary breast ovarian cancer syndrome. Last evaluated: 2021-02-22. Review status: criteria provided, single submitter. Criteria: Invitae Variant Classification Sherloc (09022015). Collection method: clinical testing. Allele origin: germline.
Comment: Algorithms developed to predict the effect of sequence changes on RNA splicing suggest that this variant may create or strengthen a splice site, but this prediction has not been confirmed by published transcriptional studies. In summary, the available evidence is currently insufficient to determine the role of this variant in disease. Therefore, it has been classified as a Variant of Uncertain Significance. Advanced modeling of protein sequence and biophysical properties (such as structural, functional, and spatial information, amino acid conservation, physicochemical variation, residue mobility, and thermodynamic stability) performed at Invitae indicates that this missense variant is not expected to disrupt BRCA1 protein function. This variant has not been reported in the literature in individuals with BRCA1-related conditions. This variant is not present in population databases (ExAC no frequency). This sequence change replaces threonine with serine at codon 478 of the BRCA1 protein (p.Thr478Ser). The threonine residue is moderately conserved and there is a small physicochemical difference between threonine and serine.

NM_007294.4(BRCA1):c.1433C>G (p.Thr478Ser)

Gene: BRCA1 (BRCA1 DNA repair associated; minus strand). Cytogenetic location: 17q21.31.
Variant type: single nucleotide variant.
Coding change: c.1433C>G on transcript NM_007294.4 (MANE Select); coding-DNA position 1433, C replaced by G.
Protein change: p.Thr478Ser; replaces threonine 478 with serine.
Molecular consequence: missense variant. On other transcripts: intron variant (137).
Genome position (GRCh38, 1-based): chr17:43,094,098, G>C on the plus strand (C>G on the coding strand, the complement: BRCA1 is on the minus strand). VCF-style: chr17-43094098-G-C. GRCh37 (hg19) VCF-style: chr17-41246115-G-C.
Other names: c.1223C>G, p.Thr408Ser (NM_001407886.1, NM_001407887.1, NM_001407889.1 and 13 more transcripts); c.1220C>G, p.Thr407Ser (NM_001407894.1, NM_001407895.1, NM_001407896.1 and 9 more transcripts); c.1310C>G, p.Thr437Ser (NM_001407919.1, NM_001407937.1, NM_001407938.1 and 19 more transcripts); c.1169C>G, p.Thr390Ser (NM_001407920.1, NM_001407921.1, NM_001407922.1 and 9 more transcripts); c.1166C>G, p.Thr389Ser (NM_001407930.1, NM_001407931.1, NM_001407932.1 and 2 more transcripts); c.1307C>G, p.Thr436Ser (NM_001407940.1, NM_001407941.1, NM_001407649.1 and 11 more transcripts); c.1292C>G, p.Thr431Ser (NM_001407942.1, NM_001407944.1, NM_001407945.1 and 29 more transcripts); c.1289C>G, p.Thr430Ser (NM_001407943.1, NM_001407964.1, NM_001407740.1 and 20 more transcripts); and 40 more; short protein forms T478S, T431S, T390S, T407S, T436S, T451S, T477S, T182S.
Identifiers: ClinVar variation 1409827 (VCV001409827.11), dbSNP rs2154446383, ClinGen allele CA10599177.
Genomic context (GRCh38, chr17:43,094,098, plus strand): 5'-AGGGGACGCTCTTGTATTATCTGTGGCTCAGTAACAAATGCTCCTATAATTAGATTTTCA[G>C]TTACATGGCTTAAGTTGGGGAGGCTTGCCTTCTTCCGATAGGTTTTCCCAAATATTTTGT-3'
Protein context (NP_009225.1, residues 468-488): KASLPNLSHV[Thr478Ser]ENLIIGAFVT